The following is an entry in ClinVar:

ClinVar aggregate classification (germline): Uncertain significance. Review status: criteria provided, multiple submitters, no conflicts (2 of 4 stars). 2 submissions from 2 submitters: Uncertain significance (2). Last evaluated 2018-03-25.

Conditions:
Achondrogenesis, type IA (ACG1A). Identifiers: Orphanet 932, Orphanet 93299, MedGen C0265273, MONDO:0008701, OMIM 200600.

Allele frequency attached by ClinVar (database versions not stated): gnomAD below 0.00001 and 0.00003; gnomAD exomes 0.00001 and 0.00008; TOPMed 0.00002; ExAC 0.00007; 1000 Genomes Project 0.00020; 1000 Genomes Project 30x 0.00031.
gnomAD v4.1: 23 of 1,613,972 alleles (0.0014%); highest among the groups gnomAD compares: East Asian, 0.045%; no homozygotes.

Submissions (2):

Labcorp Genetics (formerly Invitae), Labcorp
Classification: Uncertain significance for Achondrogenesis, type IA. Last evaluated: 2018-03-25. Review status: criteria provided, single submitter. Criteria: Invitae Variant Classification Sherloc (09022015). Collection method: clinical testing. Allele origin: germline.
Comment: In summary, the available evidence is currently insufficient to determine the role of this variant in disease. Therefore, it has been classified as a Variant of Uncertain Significance. Algorithms developed to predict the effect of missense changes on protein structure and function (SIFT, PolyPhen-2, Align-GVGD) all suggest that this variant is likely to be tolerated, but these predictions have not been confirmed by published functional studies and their clinical significance is uncertain. This variant has not been reported in the literature in individuals with TRIP11-related disease. This variant is present in population databases (rs188524590, ExAC 0.1%). This sequence change replaces threonine with asparagine at codon 713 of the TRIP11 protein (p.Thr713Asn). The threonine residue is weakly conserved and there is a small physicochemical difference between threonine and asparagine.

Illumina Laboratory Services, Illumina
Classification: Uncertain significance for Achondrogenesis, type IA. Last evaluated: 2018-01-12. Review status: criteria provided, single submitter. Criteria: ICSL Variant Classification Criteria 13 December 2019. Collection method: clinical testing. Allele origin: germline.

NM_004239.4(TRIP11):c.2138C>A (p.Thr713Asn)

Gene: TRIP11 (thyroid hormone receptor interactor 11; minus strand). Cytogenetic location: 14q32.12.
Variant type: single nucleotide variant.
Coding change: c.2138C>A on transcript NM_004239.4 (MANE Select); coding-DNA position 2138, C replaced by A.
Protein change: p.Thr713Asn; replaces threonine 713 with asparagine.
Molecular consequence: missense variant.
Genome position (GRCh38, 1-based): chr14:92,005,838, G>T on the plus strand (C>A on the coding strand, the complement: TRIP11 is on the minus strand). VCF-style: chr14-92005838-G-T. GRCh37 (hg19) VCF-style: chr14-92472182-G-T.
Other names: c.2135C>A, p.Thr712Asn (NM_001321851.1); short protein forms T713N, T712N.
Identifiers: ClinVar variation 579866 (VCV000579866.10), dbSNP rs188524590, ClinGen allele CA7313824.